The following is an entry in ClinVar:

ClinVar aggregate classification (germline): Pathogenic (1 of 4 stars; one submission).

Conditions:
Renal cysts and diabetes syndrome (RCAD). Also called: Familial hypoplastic, glomerulocystic kidney; MATURITY-ONSET DIABETES OF THE YOUNG, TYPE 5. Identifiers: Orphanet 93111, MedGen C0431693, MONDO:0007669, OMIM 137920.

Submission:

Institute of Human Genetics, FAU Erlangen, Friedrich-Alexander-Universität Erlangen-Nürnberg
Classification: Pathogenic for Renal cysts and diabetes syndrome. Last evaluated: 2019-07-06. Review status: criteria provided, single submitter. Criteria: ACMG Guidelines, 2015. Collection method: literature only. Allele origin: germline. Affected: yes.
Comment: This variant and it's classification has been reported by Vasileiou et al. 2019; DOI:10.1101/576918. The variants has previously been reported in PMID:25700310; PMID:20378641; PMID:16371430; PMID:17267738; PMID:25536396 as "c.810_1045del236; c.810-?_1045+?del Exon4; Exon 4 deletion c.810_1045 del236,p.Arg270fs" with clinical significance Pathogenic. It has been re-classified using InterVar and manual curation as Pathogenic based on PVS1 PM2 PP3.

Literature cited by the submitters: PubMed 25700310; PubMed 20378641; PubMed 16371430; PubMed 17267738; PubMed 25536396; DOI 10.1101/576918.

NM_000458.4(HNF1B):c.811_1045+1del

Gene: HNF1B (HNF1 homeobox B; minus strand). Cytogenetic location: 17q12.
Variant type: Deletion.
Coding change: c.811_1045+1del on transcript NM_000458.4 (MANE Select); coding-DNA position 811 through the canonical splice donor site of the intron after coding-DNA position 1045, 236 bases deleted.
Molecular consequence: splice acceptor variant, splice donor variant.
Genome position (GRCh38, 1-based): chr17:37,731,594-37,731,829, 236 bases deleted. GRCh37 (hg19): chr17:36,091,589-36,091,824.
Other names: c.733_967+1del (NM_001304286.2, NM_001165923.4).
Identifiers: ClinVar variation 635612 (VCV000635612.1), dbSNP rs2511799967, ClinGen allele CA913190764.